The following is an entry in ClinVar:

ClinVar aggregate classification (germline): Pathogenic/Likely pathogenic. Review status: no assertion criteria provided (0 of 4 stars). 2 submissions from 2 submitters: Pathogenic (1); Likely pathogenic (1). Last evaluated 2010-03-01.

Conditions:
PHEOCHROMOCYTOMA/PARAGANGLIOMA SYNDROME 8 (PPGL8). Identifiers: MedGen CN382246, OMIM 621687.
Pheochromocytoma. Also called: MAX-Related Hereditary Paraganglioma-Pheochromocytoma Syndrome. Identifiers: Orphanet 29072, MedGen C0031511, MONDO:0008233, OMIM 171300, HP:0002666.

Submissions (2):

OMIM
Classification: Pathogenic for PHEOCHROMOCYTOMA/PARAGANGLIOMA SYNDROME 8. Last evaluated: 2010-03-01. Review status: no assertion criteria provided. Collection method: literature only. Allele origin: germline.

Familial Cancer Clinic, Veneto Institute of Oncology
Classification: Likely pathogenic for Pheochromocytoma. Review status: no assertion criteria provided. Collection method: not provided. Allele origin: germline.
ClinVar note: Converted during submission from likely pathogenic - adrenal pheochromocytoma to Likely pathogenic.

Literature cited by the submitters: PubMed 20154675 (cited by OMIM).

NM_017849.4(TMEM127):c.149dup (p.Pro51fs)

Gene: TMEM127 (transmembrane protein 127; minus strand). Cytogenetic location: 2q11.2.
Variant type: Duplication.
Coding change: c.149dup on transcript NM_017849.4 (MANE Select); coding-DNA position 149, one base duplicated (A; older notation c.149dupA).
Protein change: p.Pro51fs; shifts the reading frame from proline 51.
Molecular consequence: frameshift variant.
Genome position (GRCh38, 1-based): chr2:96,265,233, T duplicated on the plus strand (A on the coding strand, the reverse complement: TMEM127 is on the minus strand). VCF-style (leftmost placement, unchanged base first): chr2-96265232-C-CT. GRCh37 (hg19) VCF-style: chr2-96930970-C-CT.
Other names: c.149dup, p.Pro51fs (NM_001193304.3); c.149_150insA (NM_017849.3); short protein forms P51fs.
Identifiers: ClinVar variation 110 (VCV000000110.4), dbSNP rs121908817, ClinGen allele CA113859.